The following is an entry in ClinVar:

NM_000936.4(PNLIP):c.808G>A (p.Glu270Lys)

Gene: PNLIP (pancreatic lipase; plus strand). Cytogenetic location: 10q25.3.
Variant type: single nucleotide variant.
Coding change: c.808G>A on transcript NM_000936.4 (MANE Select); coding-DNA position 808, G replaced by A.
Protein change: p.Glu270Lys; replaces glutamic acid 270 with lysine.
Molecular consequence: missense variant.
Genome position (GRCh38, 1-based): chr10:116,555,504, G>A. VCF-style: chr10-116555504-G-A. GRCh37 (hg19) VCF-style: chr10-118315016-G-A.
Other names: short protein forms E270K.
Identifiers: ClinVar variation 2191671 (VCV002191671.4), dbSNP rs370302522, ClinGen allele CA5706597.

ClinVar aggregate classification (germline): Uncertain significance (1 of 4 stars; one submission).

Allele frequency attached by ClinVar (database versions not stated): TOPMed below 0.00001; ExAC 0.00001; gnomAD exomes 0.00001; ESP Exome Variant Server 0.00008.
gnomAD v4.1: 5 of 1,614,038 alleles (0.00031%); highest among the groups gnomAD compares: Non-Finnish European, 0.00042%; no homozygotes.

Submission:

Labcorp Genetics (formerly Invitae), Labcorp
Classification: Uncertain significance. Last evaluated: 2022-08-22. Review status: criteria provided, single submitter. Criteria: Invitae Variant Classification Sherloc (09022015). Collection method: clinical testing. Allele origin: germline.
Comment: In summary, the available evidence is currently insufficient to determine the role of this variant in disease. Therefore, it has been classified as a Variant of Uncertain Significance. Algorithms developed to predict the effect of missense changes on protein structure and function are either unavailable or do not agree on the potential impact of this missense change (SIFT: "Not Available"; PolyPhen-2: "Benign"; Align-GVGD: "Not Available"). This variant has not been reported in the literature in individuals affected with PNLIP-related conditions. The frequency data for this variant in the population databases is considered unreliable, as metrics indicate poor data quality at this position in the gnomAD database. This sequence change replaces glutamic acid, which is acidic and polar, with lysine, which is basic and polar, at codon 270 of the PNLIP protein (p.Glu270Lys).